The following is an entry in ClinVar:

ClinVar aggregate classification (germline): Pathogenic (1 of 4 stars; one submission).

Conditions:
Spongy degeneration of central nervous system. Also called: ASP DEFICIENCY; ASPA DEFICIENCY; ASPARTOACYLASE DEFICIENCY; CANAVAN-VAN BOGAERT-BERTRAND DISEASE; Canavan disease; Von Bogaert-Bertrand disease. Identifiers: Orphanet 141, MedGen C0206307, MONDO:0010079, OMIM 271900.

Submission:

Labcorp Genetics (formerly Invitae), Labcorp
Classification: Pathogenic for Spongy degeneration of central nervous system. Last evaluated: 2022-09-27. Review status: criteria provided, single submitter. Criteria: Invitae Variant Classification Sherloc (09022015). Collection method: clinical testing. Allele origin: germline.
Comment: A gross deletion of the genomic region encompassing the full coding sequence of the ASPA gene has been identified. Loss-of-function variants in ASPA are known to be pathogenic (PMID: 12638939). The boundaries of this event are unknown as they extend beyond the assayed region for this gene and therefore may encompass additional genes. A similar copy number variant has been observed in individual(s) with Canavan disease (PMID: 19932039). In at least one individual the data is consistent with being in trans (on the opposite chromosome) from a pathogenic variant. For these reasons, this variant has been classified as Pathogenic.

Literature cited by the submitters: PubMed 12638939; PubMed 19932039.

NC_000017.10:g.(?_3379454)_(3819519_?)del

Genes: P2RX5 (purinergic receptor P2X 5; minus strand), ASPA (aspartoacylase; plus strand), CAMKK1 (calcium/calmodulin dependent protein kinase kinase 1; minus strand), SHPK (sedoheptulokinase; minus strand), CTNS (cystinosin, lysosomal cystine transporter; plus strand) and 8 more. Cytogenetic location: 17p13.2.
Variant type: Deletion.
Identifiers: ClinVar variation 2422206 (VCV002422206.3).